The following is an entry in ClinVar:

NM_001372044.2(SHANK3):c.2998C>G (p.Pro1000Ala)

Gene: SHANK3 (SH3 and multiple ankyrin repeat domains 3; plus strand). Cytogenetic location: 22q13.33.
Variant type: single nucleotide variant.
Coding change: c.2998C>G on transcript NM_001372044.2 (MANE Select); coding-DNA position 2998, C replaced by G.
Protein change: p.Pro1000Ala; replaces proline 1000 with alanine.
Molecular consequence: missense variant.
Genome position (GRCh38, 1-based): chr22:50,720,606, C>G. VCF-style: chr22-50720606-C-G. GRCh37 (hg19) VCF-style: chr22-51159034-C-G.
Other names: c.2773C>G (NM_033517.1); short protein forms P1000A.
Identifiers: ClinVar variation 3600892 (VCV003600892.1).

ClinVar aggregate classification (germline): Uncertain significance (1 of 4 stars; one submission).

Submission:

GeneDx
Classification: Uncertain significance. Last evaluated: 2024-07-25. Review status: criteria provided, single submitter. Criteria: GeneDx Variant Classification Process June 2021. Collection method: clinical testing. Allele origin: germline. Affected: yes.
Comment: Not observed at significant frequency in large population cohorts (gnomAD); In silico analysis indicates that this missense variant does not alter protein structure/function; Has not been previously published as pathogenic or benign to our knowledge